The following is an entry in ClinVar:

NM_003060.4(SLC22A5):c.407G>A (p.Cys136Tyr)

Gene: SLC22A5 (solute carrier family 22 member 5; plus strand). Cytogenetic location: 5q31.1.
Variant type: single nucleotide variant.
Coding change: c.407G>A on transcript NM_003060.4 (MANE Select); coding-DNA position 407, G replaced by A.
Protein change: p.Cys136Tyr; replaces cysteine 136 with tyrosine.
Molecular consequence: missense variant.
Genome position (GRCh38, 1-based): chr5:132,378,391, G>A. VCF-style: chr5-132378391-G-A. GRCh37 (hg19) VCF-style: chr5-131714083-G-A.
Other names: c.479G>A, p.Cys160Tyr (NM_001308122.2); short protein forms C136Y, C160Y.
Identifiers: ClinVar variation 5003627 (VCV005003627.1).

ClinVar aggregate classification (germline): Uncertain significance (1 of 4 stars; one submission).

Conditions:
Renal carnitine transport defect (CDSP). Also called: Primary carnitine deficiency; Systemic primary carnitine deficiency disease; CARNITINE DEFICIENCY, SYSTEMIC, DUE TO DEFECT IN RENAL REABSORPTION OF CARNITINE; CARNITINE TRANSPORTER, PLASMA-MEMBRANE, DEFICIENCY OF; CARNITINE UPTAKE DEFECT; Systemic primary carnitine deficiency. Identifiers: Orphanet 158, MedGen C0342788, MONDO:0008919, OMIM 212140.

gnomAD v4.1: 3 of 1,614,064 alleles (0.00019%); highest among the groups gnomAD compares: South Asian, 0.0033%; no homozygotes.

Submission:

Myriad Genetics, Inc.
Classification: Uncertain significance for Renal carnitine transport defect. Last evaluated: 2025-12-03. Review status: criteria provided, single submitter. Criteria: Myriad Autosomal Dominant, Autosomal Recessive and X-Linked Classification Criteria (2023). Collection method: clinical testing. Allele origin: unknown.
Comment: NM_003060.3(SLC22A5):c.407G>A(C136Y) is a missense variant classified as a variant of uncertain significance in the context of primary carnitine deficiency. C136Y has been observed in a case with relevant disease (PMID: 36568374). Relevant functional assessments of this variant are not available in the literature. C136Y has been observed in referenced population frequency databases. In summary, there is insufficient evidence to classify NM_003060.3(SLC22A5):c.407G>A(C136Y) as pathogenic or benign. Please note: this variant was assessed in the context of healthy population screening.

Literature cited by the submitters: PubMed 36568374.